The following is an entry in ClinVar:

NM_000548.5(TSC2):c.648+14C>T

Gene: TSC2 (TSC complex subunit 2; plus strand). Cytogenetic location: 16p13.3.
Variant type: single nucleotide variant.
Coding change: c.648+14C>T on transcript NM_000548.5 (MANE Select); 14 bases into the intron after coding-DNA position 648, C replaced by T.
Molecular consequence: intron variant.
Genome position (GRCh38, 1-based): chr16:2,056,258, C>T. VCF-style: chr16-2056258-C-T. GRCh37 (hg19) VCF-style: chr16-2106259-C-T.
Other names: c.648+14C>T (NM_001114382.3, NM_021055.3, NM_001370405.1 and 3 more transcripts); c.537+14C>T (NM_001318827.2); c.48+14C>T (NM_001318831.2); c.501+14C>T (NM_001318829.2); c.681+14C>T (NM_001318832.2).
Identifiers: ClinVar variation 388609 (VCV000388609.8), dbSNP rs941595244, ClinGen allele CA16607283.
Genomic context (GRCh38, chr16:2,056,258, plus strand): 5'-TGATCTGTCTGCTGTGCGTCCGGACCGCGTCCTCTGTGGACATAGAGGTCAGTGCCTCCC[C>T]TCCCCAGGGCCGGCCCATTTCACCCTGGTTTCTGGGAGGCTGGGGCTTGGGGGTTGAGCC-3'

ClinVar aggregate classification (germline): Likely benign. Review status: criteria provided, multiple submitters, no conflicts (2 of 4 stars). 2 submissions from 2 submitters: Likely benign (2). Last evaluated 2025-11-16.

Conditions:
Tuberous sclerosis 2 (TSC2). Identifiers: Orphanet 805, MedGen C1860707, MONDO:0013199, OMIM 613254.

Allele frequency attached by ClinVar (database versions not stated): gnomAD 0.00002 and 0.00003; TOPMed 0.00003.
gnomAD v4.1: 7 of 1,613,860 alleles (0.00043%); highest among the groups gnomAD compares: African/African-American, 0.008%; no homozygotes.

Submissions (2):

Labcorp Genetics (formerly Invitae), Labcorp
Classification: Likely benign for Tuberous sclerosis 2. Last evaluated: 2025-11-16. Review status: criteria provided, single submitter. Criteria: Invitae Variant Classification Sherloc (09022015). Collection method: clinical testing. Allele origin: germline.

GeneDx
Classification: Likely benign. Last evaluated: 2016-08-15. Review status: criteria provided, single submitter. Criteria: GeneDx Variant Classification (06012015). Collection method: clinical testing. Allele origin: germline. Affected: yes.
Comment: This variant is considered likely benign or benign based on one or more of the following criteria: it is a conservative change, it occurs at a poorly conserved position in the protein, it is predicted to be benign by multiple in silico algorithms, and/or has population frequency not consistent with disease.